The following is an entry in ClinVar:

ClinVar aggregate classification (germline): Conflicting classifications of pathogenicity. Review status: criteria provided, conflicting classifications (1 of 4 stars). 2 submissions from 2 submitters: Uncertain significance (1); Likely benign (1). Last evaluated 2025-05-05.

Conditions:
D-2-hydroxyglutaric aciduria 1 (D2HGA1). Identifiers: Orphanet 79315, MedGen C3152055, MONDO:0024554, OMIM 600721.

Allele frequency attached by ClinVar (database versions not stated): ExAC 0.00002; TOPMed 0.00003; gnomAD 0.00007; 1000 Genomes Project 30x 0.00031; 1000 Genomes Project 0.00040.

Submissions (2):

Labcorp Genetics (formerly Invitae), Labcorp
Classification: Uncertain significance for D-2-hydroxyglutaric aciduria 1. Last evaluated: 2025-05-05. Review status: criteria provided, single submitter. Criteria: Invitae Variant Classification Sherloc (09022015). Collection method: clinical testing. Allele origin: germline.
Comment: This sequence change replaces isoleucine, which is neutral and non-polar, with valine, which is neutral and non-polar, at codon 340 of the D2HGDH protein (p.Ile340Val). This variant is present in population databases (rs149383887, gnomAD 0.01%). This variant has not been reported in the literature in individuals affected with D2HGDH-related conditions. ClinVar contains an entry for this variant (Variation ID: 2732695). Invitae Evidence Modeling of protein sequence and biophysical properties (such as structural, functional, and spatial information, amino acid conservation, physicochemical variation, residue mobility, and thermodynamic stability) indicates that this missense variant is not expected to disrupt D2HGDH protein function with a negative predictive value of 95%. In summary, the available evidence is currently insufficient to determine the role of this variant in disease. Therefore, it has been classified as a Variant of Uncertain Significance.

Blueprint Genetics
Classification: Likely benign. Last evaluated: 2019-05-04. Review status: criteria provided, single submitter. Criteria: ACMG Guidelines, 2015. Collection method: clinical testing. Allele origin: germline.

NM_152783.5(D2HGDH):c.1018A>G (p.Ile340Val)

Gene: D2HGDH (D-2-hydroxyglutarate dehydrogenase; plus strand). Cytogenetic location: 2q37.3.
Variant type: single nucleotide variant.
Coding change: c.1018A>G on transcript NM_152783.5 (MANE Select); coding-DNA position 1018, A replaced by G.
Protein change: p.Ile340Val; replaces isoleucine 340 with valine.
Molecular consequence: missense variant.
Genome position (GRCh38, 1-based): chr2:241,751,266, A>G. VCF-style: chr2-241751266-A-G. GRCh37 (hg19) VCF-style: chr2-242690681-A-G.
Other names: c.616A>G, p.Ile206Val (NM_001287249.2); c.457A>G, p.Ile153Val (NM_001352824.2); short protein forms I206V, I340V, I153V.
Identifiers: ClinVar variation 2732695 (VCV002732695.4), dbSNP rs149383887, ClinGen allele CA2221895.
Genomic context (GRCh38, chr2:241,751,266, plus strand): 5'-CGGAGCCTCTGCTCACTCTGCCTTCCTTGCTCACTTCTAGAGAGTCCGTTTTACGTCCTC[A>G]TCGAGACTTCAGGCTCCAACGCAGGCCATGACGCTGAGAAGCTGGGCCACTTCCTGGAGC-3'
Protein context (NP_689996.4, residues 330-350): PVQESPFYVL[Ile340Val]ETSGSNAGHD